The following is an entry in ClinVar:

ClinVar aggregate classification (germline): Conflicting classifications of pathogenicity. Review status: criteria provided, conflicting classifications (1 of 4 stars). 4 submissions from 4 submitters: Likely pathogenic (1); Uncertain significance (1); Likely benign (2). Last evaluated 2026-08-27.

Conditions:
PNPT1-related disorder. Also called: PNPT1-related disorders; PNPT1-related condition.
Autosomal recessive nonsyndromic hearing loss 70. Also called: Deafness, autosomal recessive 70. Identifiers: Orphanet 90636, MedGen C1824925, MONDO:0013978, OMIM 614934.

Allele frequency attached by ClinVar (database versions not stated): gnomAD 0.00006 and below 0.00001; gnomAD exomes 0.00021; ExAC 0.00026; 1000 Genomes Project 30x 0.00078; 1000 Genomes Project 0.00100; TOPMed 0.00002.
gnomAD v4.1: 125 of 1,614,220 alleles (0.0077%); highest among the groups gnomAD compares: South Asian, 0.12%; 2 homozygotes.

Submissions (4):

PreventionGenetics, part of Exact Sciences
Classification: Likely benign for PNPT1-related condition. Last evaluated: 2026-08-27. Review status: criteria provided, single submitter. Criteria: ACMG Guidelines, 2015. Collection method: clinical testing. Allele origin: germline.
Comment: This variant is classified as likely benign based on ACMG/AMP sequence variant interpretation guidelines (Richards et al. 2015 PMID: 25741868, with internal and published modifications).

Labcorp Genetics (formerly Invitae), Labcorp
Classification: Likely benign. Last evaluated: 2025-12-20. Review status: criteria provided, single submitter. Criteria: Invitae Variant Classification Sherloc (09022015). Collection method: clinical testing. Allele origin: germline.

Blueprint Genetics
Classification: Uncertain significance. Last evaluated: 2024-10-11. Review status: criteria provided, single submitter. Criteria: ACMG Guidelines, 2015. Collection method: clinical testing. Allele origin: germline.

Hereditary Hearing Loss Research Unit, University of Madras
Classification: Likely pathogenic for Autosomal recessive nonsyndromic hearing loss 70. Review status: criteria provided, single submitter. Criteria: ACMG Guidelines, 2015. Collection method: case-control. Allele origin: germline. Inheritance: Autosomal recessive inheritance. Affected: yes. Observed: 1 heterozygote.

NM_033109.5(PNPT1):c.137C>G (p.Ala46Gly)

Genes: PNPT1 (polyribonucleotide nucleotidyltransferase 1; minus strand), LOC129933770 (ATAC-STARR-seq lymphoblastoid active region 15785; plus strand). Cytogenetic location: 2p16.1.
Variant type: single nucleotide variant.
Coding change: c.137C>G on transcript NM_033109.5 (MANE Select); coding-DNA position 137, C replaced by G.
Protein change: p.Ala46Gly; replaces alanine 46 with glycine.
Molecular consequence: missense variant.
Genome position (GRCh38, 1-based): chr2:55,693,687, G>C on the plus strand (C>G on the coding strand, the complement: PNPT1 is on the minus strand). VCF-style: chr2-55693687-G-C. GRCh37 (hg19) VCF-style: chr2-55920822-G-C.
Other names: c.137C>G (NM_033109.4); short protein forms A46G.
Identifiers: ClinVar variation 972896 (VCV000972896.12), dbSNP rs540498342, ClinGen allele CA1668628.
Genomic context (GRCh38, chr2:55,693,687, plus strand): 5'-CTTATGACAATACAGTGAACGCACGTCACTCCTTACCTGTTGCCTAAGTCCACGGCCACA[G>C]CTCGAGACCCTGCGCTACTCCATAGTGCTCGCACTTGCAACTGGGTGAGTGCCCGATCCC-3'
Protein context (NP_149100.2, residues 36-56): RALWSSAGSR[Ala46Gly]VAVDLGNRKL